The following is an entry in ClinVar:

ClinVar aggregate classification (germline): Uncertain significance (1 of 4 stars; one submission).

Conditions:
EGFR-related lung cancer (EGFR). Identifiers: MedGen CN130014.

Submission:

Labcorp Genetics (formerly Invitae), Labcorp
Classification: Uncertain significance for EGFR-related lung cancer. Last evaluated: 2023-12-18. Review status: criteria provided, single submitter. Criteria: Invitae Variant Classification Sherloc (09022015). Collection method: clinical testing. Allele origin: germline.
Comment: This sequence change falls in intron 9 of the EGFR gene. It does not directly change the encoded amino acid sequence of the EGFR protein. This variant is not present in population databases (gnomAD no frequency). This variant has not been reported in the literature in individuals affected with EGFR-related conditions. Algorithms developed to predict the effect of sequence changes on RNA splicing suggest that this variant may disrupt the consensus splice site. In summary, the available evidence is currently insufficient to determine the role of this variant in disease. Therefore, it has been classified as a Variant of Uncertain Significance.

NM_005228.5(EGFR):c.1134-7_1134-4del

Genes: EGFR (epidermal growth factor receptor; plus strand), LOC126860048 (P300/CBP strongly-dependent group 1 enhancer GRCh37_chr7:55223847-55225046; plus strand). Cytogenetic location: 7p11.2.
Variant type: Microsatellite.
Coding change: c.1134-7_1134-4del on transcript NM_005228.5 (MANE Select); 7 bases into the intron before coding-DNA position 1134 through 4 bases into the intron before coding-DNA position 1134, 4 bases deleted (GTTT; older notation c.1134-7_1134-4delGTTT).
Molecular consequence: intron variant.
Genome position (GRCh38, 1-based): chr7:55,156,752-55,156,755, GTTT deleted; deleting any 4 consecutive bases within chr7:55,156,746-55,156,755 gives the same sequence; the c. name uses the placement nearest the transcript's 3' end. VCF-style (leftmost placement, unchanged base first): chr7-55156745-GTTGT-G. GRCh37 (hg19) VCF-style: chr7-55224438-GTTGT-G.
Other names: c.999-7_999-4del (NM_001346899.2, NM_001346897.2); c.333-7_333-4del (NM_001346941.2); c.1134-7_1134-4del (NM_001346898.2, NM_201284.2, NM_201282.2 and 1 more transcripts); c.975-7_975-4del (NM_001346900.2).
Identifiers: ClinVar variation 2841664 (VCV002841664.3), dbSNP rs1325544866, ClinGen allele CA839803797.